The following is an entry in ClinVar:

ClinVar aggregate classification (germline): Uncertain significance (1 of 4 stars; one submission).

Conditions:
Kabuki syndrome. Also called: Kabuki make-up syndrome; NIIKAWA-KUROKI SYNDROME. Identifiers: Orphanet 2322, MedGen C0796004, MONDO:0016512.

Submission:

Labcorp Genetics (formerly Invitae), Labcorp
Classification: Uncertain significance for Kabuki syndrome. Last evaluated: 2025-12-24. Review status: criteria provided, single submitter. Criteria: Invitae Variant Classification Sherloc (09022015). Collection method: clinical testing. Allele origin: germline.
Comment: This sequence change replaces leucine, which is neutral and non-polar, with valine, which is neutral and non-polar, at codon 3115 of the KMT2D protein (p.Leu3115Val). This variant is not present in population databases (gnomAD no frequency). This variant has not been reported in the literature in individuals affected with KMT2D-related conditions. ClinVar contains an entry for this variant (Variation ID: 1995714). Invitae Evidence Modeling of protein sequence and biophysical properties (such as structural, functional, and spatial information, amino acid conservation, physicochemical variation, residue mobility, and thermodynamic stability) indicates that this missense variant is not expected to disrupt KMT2D protein function with a negative predictive value of 95%. In summary, the available evidence is currently insufficient to determine the role of this variant in disease. Therefore, it has been classified as a Variant of Uncertain Significance.

NM_003482.4(KMT2D):c.9343C>G (p.Leu3115Val)

Gene: KMT2D (lysine methyltransferase 2D; minus strand). Cytogenetic location: 12q13.12.
Variant type: single nucleotide variant.
Coding change: c.9343C>G on transcript NM_003482.4 (MANE Select); coding-DNA position 9343, C replaced by G.
Protein change: p.Leu3115Val; replaces leucine 3115 with valine.
Molecular consequence: missense variant.
Genome position (GRCh38, 1-based): chr12:49,038,013, G>C on the plus strand (C>G on the coding strand, the complement: KMT2D is on the minus strand). VCF-style: chr12-49038013-G-C. GRCh37 (hg19) VCF-style: chr12-49431796-G-C.
Other names: short protein forms L3115V.
Identifiers: ClinVar variation 1995714 (VCV001995714.4), dbSNP rs587778471, ClinGen allele CA384738664.